The following is an entry in ClinVar:

ClinVar aggregate classification (germline): Likely pathogenic (1 of 4 stars; one submission).

Conditions:
Primary ciliary dyskinesia 21. Also called: CILIARY DYSKINESIA, PRIMARY, 21, WITHOUT SITUS INVERSUS. Identifiers: Orphanet 244, MedGen C3809087, MONDO:0014123, OMIM 615294.

gnomAD v4.1: 33 of 1,614,072 alleles (0.002%); highest among the groups gnomAD compares: Middle Eastern, 0.017%; no homozygotes.

Submission:

Neuberg Centre For Genomic Medicine, NCGM
Classification: Likely pathogenic for Primary ciliary dyskinesia 21. Last evaluated: 2023-05-20. Review status: criteria provided, single submitter. Criteria: ACMG Guidelines, 2015. Collection method: clinical testing. Allele origin: germline. Inheritance: Autosomal recessive inheritance. Affected: yes.
Comment: The observed stop gained variant c.1196G>A(p.Trp399Ter) in DRC1 gene has not been reported previously as a pathogenic variant nor as a benign variant, to our knowledge. The c.1196G>A variant has 0.004% allele frequency in gnomAD Exomes. Computational evidence (Mutation Taster - Disease causing) predicts damaging effect on protein structure and function for this variant.This variant is predicted to cause loss of normal protein function through protein truncation. Loss of function variants have been previously reported to be disease causing (Wirschell M, et al., 2013). For these reasons, this variant has been classified as Likely Pathogenic. In the absence of another reportable variant, the molecular diagnosis is not confirmed.

NM_145038.5(DRC1):c.1196G>A (p.Trp399Ter)

Gene: DRC1 (dynein regulatory complex subunit 1; plus strand). Cytogenetic location: 2p23.3.
Variant type: single nucleotide variant.
Coding change: c.1196G>A on transcript NM_145038.5 (MANE Select); coding-DNA position 1196, G replaced by A.
Protein change: p.Trp399Ter; replaces tryptophan 399 with a stop codon.
Molecular consequence: nonsense.
Genome position (GRCh38, 1-based): chr2:26,444,748, G>A. VCF-style: chr2-26444748-G-A. GRCh37 (hg19) VCF-style: chr2-26667616-G-A.
Other names: short protein forms W399*.
Identifiers: ClinVar variation 3367126 (VCV003367126.1).
Genomic context (GRCh38, chr2:26,444,748, plus strand): 5'-GGCCATGCTCTGTGACTCTCCTTCACAGGCATTTTGCTCTTATTGATGATGAGAAGTTTT[G>A]GGAGATTTGGCTGATGAATGAAGAGGAGGCGAAGGACCTAATAGCCAGAGCCTTTGATGT-3'